The following is an entry in ClinVar:

ClinVar aggregate classification (germline): Uncertain significance (1 of 4 stars; one submission).

Conditions:
Nemaline myopathy 2 (NEM2). Also called: Nemaline myopathy 2, autosomal recessive. Identifiers: MedGen C1850569, MONDO:0009725, OMIM 256030.

Submission:

Labcorp Genetics (formerly Invitae), Labcorp
Classification: Uncertain significance for Nemaline myopathy 2. Last evaluated: 2021-12-09. Review status: criteria provided, single submitter. Criteria: Invitae Variant Classification Sherloc (09022015). Collection method: clinical testing. Allele origin: germline.
Comment: This sequence change falls in intron 89 of the NEB gene. It does not directly change the encoded amino acid sequence of the NEB protein. It affects a nucleotide within the consensus splice site. In summary, the available evidence is currently insufficient to determine the role of this variant in disease. Therefore, it has been classified as a Variant of Uncertain Significance. Variants that disrupt the consensus splice site are a relatively common cause of aberrant splicing (PMID: 17576681, 9536098). Algorithms developed to predict the effect of sequence changes on RNA splicing suggest that this variant may disrupt the consensus splice site. This variant has not been reported in the literature in individuals affected with NEB-related conditions. The frequency data for this variant in the population databases (gnomAD) is considered unreliable due to the presence of homologous sequence, such as pseudogenes or paralogs, in the genome.

Literature cited by the submitters: PubMed 17576681; PubMed 9536098.

NM_001164508.2(NEB):c.13788+2dup

Gene: NEB (nebulin; minus strand). Cytogenetic location: 2q23.3.
Variant type: Duplication.
Coding change: c.13788+2dup on transcript NM_001164508.2 (MANE Select); the canonical splice donor site of the intron after coding-DNA position 13788, one base duplicated (T; older notation c.13788+2dupT).
Molecular consequence: splice donor variant. On other transcripts: intron variant (1).
Genome position (GRCh38, 1-based): chr2:151,600,440, A duplicated on the plus strand (T on the coding strand, the reverse complement: NEB is on the minus strand). VCF-style (leftmost placement, unchanged base first): chr2-151600439-T-TA. GRCh37 (hg19) VCF-style: chr2-152456953-T-TA.
Other names: c.11601+9369dup (NM_004543.5); c.13788+2dup (NM_001164507.2, NM_001271208.2).
Identifiers: ClinVar variation 1388688 (VCV001388688.6), dbSNP rs2153902530, ClinGen allele CA2573133374.
Genomic context (GRCh38, chr2:151,600,439, plus strand): 5'-GAGCATTGGAAGGAGCCATCAGGCAAAGCAATGGGGGACTTGTTTCCTGGGGGACACACT[T>TA]ACGTCGCTCTGTAGGTCGTAGGCTTTCCTGGCTTGGATCACATCATTCTGGTCGGGAAAG-3'